The following is an entry in ClinVar:

ClinVar aggregate classification (germline): Likely pathogenic (1 of 4 stars; one submission).

Conditions:
Marfan syndrome (MFS). Also called: FBN1-Related Marfan Syndrome; Marfan syndrome type 1; Marfan's syndrome; Marfan syndrome, classic; MARFAN SYNDROME, TYPE I. Identifiers: Orphanet 284963, Orphanet 558, MedGen C0024796, MONDO:0007947, OMIM 154700.

Submission:

Institute of Human Genetics, University Medical Center Hamburg-Eppendorf
Classification: Likely pathogenic for Marfan syndrome. Last evaluated: 2018-11-20. Review status: criteria provided, single submitter. Criteria: ACMG Guidelines, 2015. Collection method: research, in vitro. Allele origin: unknown. Inheritance: Autosomal dominant inheritance. Affected: yes. Observed: 1 variant allele.
Comment: Cryptic acceptor gain is predicted by in silico prediction programs (HSF, MaxEnt). Impact on pre-mRNA splicing was experimentally confirmed.

Literature cited by the submitters: PubMed 30675029.

NM_000138.5(FBN1):c.1589-14A>G

Gene: FBN1 (fibrillin 1; minus strand). Cytogenetic location: 15q21.1.
Variant type: single nucleotide variant.
Coding change: c.1589-14A>G on transcript NM_000138.5 (MANE Select); 14 bases into the intron before coding-DNA position 1589, A replaced by G.
Molecular consequence: intron variant.
Genome position (GRCh38, 1-based): chr15:48,510,183, T>C on the plus strand (A>G on the coding strand, the complement: FBN1 is on the minus strand). VCF-style: chr15-48510183-T-C. GRCh37 (hg19) VCF-style: chr15-48802380-T-C.
Identifiers: ClinVar variation 625117 (VCV000625117.2), dbSNP rs1566915335, ClinGen allele CA913191214.